The following is an entry in ClinVar:

ClinVar aggregate classification (germline): Pathogenic (1 of 4 stars; one submission).

Conditions:
Spongy degeneration of central nervous system. Also called: Canavan disease; Von Bogaert-Bertrand disease; AMINOACYLASE 2 DEFICIENCY; ACY2 DEFICIENCY; ASP DEFICIENCY; ASPA DEFICIENCY. Identifiers: Orphanet 141, MedGen C0206307, MONDO:0010079, OMIM 271900.

Submission:

Labcorp Genetics (formerly Invitae), Labcorp
Classification: Pathogenic for Spongy degeneration of central nervous system. Last evaluated: 2020-10-14. Review status: criteria provided, single submitter. Criteria: Invitae Variant Classification Sherloc (09022015). Collection method: clinical testing. Allele origin: germline.
Comment: A gross deletion of the genomic region encompassing the full coding sequence of the ASPA gene has been identified. The boundaries of this event are unknown as the deletion extends beyond the assayed region for this gene and therefore may encompass additional genes. This variant has been observed in individual(s) with Canavan disease (PMID: 19932039, 16854607). In at least one individual the data is consistent with the variant being in trans (on the opposite chromosome) from a pathogenic variant. Loss-of-function variants in ASPA are known to be pathogenic (PMID: 12638939). For these reasons, this variant has been classified as Pathogenic.

Literature cited by the submitters: PubMed 19932039; PubMed 16854607; PubMed 12638939.

NC_000017.10:g.(?_3379444)_(3402392_?)del

Gene: ASPA (aspartoacylase; plus strand). Cytogenetic location: 17p13.2.
Variant type: Deletion.
Identifiers: ClinVar variation 1071503 (VCV001071503.1).